The following is an entry in ClinVar:

ClinVar aggregate classification (germline): Pathogenic (1 of 4 stars; one submission).

Conditions:
Combined immunodeficiency due to LRBA deficiency. Also called: Common variable immunodeficiency 8, with autoimmunity. Identifiers: Orphanet 445018, MedGen C3553512, MONDO:0013863, OMIM 614700.

Allele frequency attached by ClinVar (database versions not stated): gnomAD exomes below 0.00001.
gnomAD v4.1: 1 of 1,612,884 alleles (0.000062%); no homozygotes.

Submission:

Labcorp Genetics (formerly Invitae), Labcorp
Classification: Pathogenic for Combined immunodeficiency due to LRBA deficiency. Last evaluated: 2023-04-21. Review status: criteria provided, single submitter. Criteria: Invitae Variant Classification Sherloc (09022015). Collection method: clinical testing. Allele origin: germline.
Comment: For these reasons, this variant has been classified as Pathogenic. This premature translational stop signal has been observed in individual(s) with clinical features of LRBA deficiency (PMID: 33864888). This variant is not present in population databases (gnomAD no frequency). This sequence change creates a premature translational stop signal (p.Trp912*) in the LRBA gene. It is expected to result in an absent or disrupted protein product. Loss-of-function variants in LRBA are known to be pathogenic (PMID: 26206937, 26768763).

Literature cited by the submitters: PubMed 33864888; PubMed 26206937; PubMed 26768763.

NM_001364905.1(LRBA):c.2736G>A (p.Trp912Ter)

Gene: LRBA (LPS responsive beige-like anchor protein; minus strand). Cytogenetic location: 4q31.3.
Variant type: single nucleotide variant.
Coding change: c.2736G>A on transcript NM_001364905.1 (MANE Select); coding-DNA position 2736, G replaced by A.
Protein change: p.Trp912Ter; replaces tryptophan 912 with a stop codon.
Molecular consequence: nonsense.
Genome position (GRCh38, 1-based): chr4:150,867,701, C>T on the plus strand (G>A on the coding strand, the complement: LRBA is on the minus strand). VCF-style: chr4-150867701-C-T. GRCh37 (hg19) VCF-style: chr4-151788853-C-T.
Other names: c.2736G>A, p.Trp912Ter (NM_001199282.3, NM_001367550.1, NM_006726.5); short protein forms W912*.
Identifiers: ClinVar variation 2995953 (VCV002995953.3), dbSNP rs2546545066, ClinGen allele CA358463936.